The following is an entry in ClinVar:

NM_000059.4(BRCA2):c.6154del (p.Ser2052fs)

Gene: BRCA2 (BRCA2 DNA repair associated; plus strand). Cytogenetic location: 13q13.1.
Variant type: Deletion.
Coding change: c.6154del on transcript NM_000059.4 (MANE Select); coding-DNA position 6154, one base deleted (T; older notation c.6154delT).
Protein change: p.Ser2052fs; shifts the reading frame from serine 2052.
Molecular consequence: frameshift variant.
Genome position (GRCh38, 1-based): chr13:32,340,509, T deleted; the last of 2 consecutive T bases (chr13:32,340,508-32,340,509); deleting either gives the same sequence. VCF-style (leftmost placement, unchanged base first): chr13-32340507-AT-A. GRCh37 (hg19) VCF-style: chr13-32914644-AT-A.
Other names: 6382delT; c.6154delT (NM_000059.3); short protein forms S2052fs.
Identifiers: ClinVar variation 52020 (VCV000052020.4), dbSNP rs80359562, ClinGen allele CA023702.

ClinVar aggregate classification (germline): Pathogenic. Review status: reviewed by expert panel (3 of 4 stars). 4 submissions from 4 submitters: Pathogenic (1). 3 of the submissions do not count toward it. Last evaluated 2016-09-08.

Conditions:
Hereditary breast ovarian cancer syndrome. Also called: Hereditary breast and ovarian cancer syndrome; Hereditary breast and ovarian cancer; Hereditary breast and ovarian cancer syndrome (HBOC); Breast and ovarian cancer; Hereditary breast and/or ovarian cancer syndrome; BRCA1- and BRCA2-Associated Hereditary Breast and Ovarian Cancer. Identifiers: Orphanet 145, MedGen C0677776, MeSH D061325, MONDO:0003582. Disease mechanism: loss of function.
Breast-ovarian cancer, familial, susceptibility to, 2 (BROVCA2). Also called: BRCA2 Hereditary Breast and Ovarian Cancer. Identifiers: Orphanet 145, MedGen C2675520, MONDO:0012933, OMIM 612555. Disease mechanism: loss of function.

Submissions (4):

Evidence-based Network for the Interpretation of Germline Mutant Alleles (ENIGMA)
Classification: Pathogenic for Breast-ovarian cancer, familial, susceptibility to, 2. Last evaluated: 2016-09-08. Review status: reviewed by expert panel. Criteria: ENIGMA BRCA1/2 Classification Criteria (2015). Collection method: curation. Allele origin: germline.
Comment: Variant allele predicted to encode a truncated non-functional protein.

Department of Pathology and Laboratory Medicine, Sinai Health System
Classification: Pathogenic for Hereditary breast ovarian cancer syndrome. Review status: criteria provided, single submitter. Criteria: ACMG Guidelines, 2015. Collection method: clinical testing. Allele origin: germline. Affected: yes. Study: The Canadian Open Genetics Repository (COGR). Not counted in ClinVar's aggregate classification.

Research Molecular Genetics Laboratory, Women's College Hospital, University of Toronto
Classification: Pathogenic for Hereditary breast ovarian cancer syndrome. Last evaluated: 2014-01-31. Review status: no assertion criteria provided. Collection method: research. Allele origin: germline. Affected: yes. Study: The Canadian Open Genetics Repository (COGR). Not counted in ClinVar's aggregate classification.

Breast Cancer Information Core (BIC) (BRCA2)
Classification: Pathogenic for Breast-ovarian cancer, familial 2. Last evaluated: 2002-06-27. Review status: no assertion criteria provided. Collection method: clinical testing. Allele origin: germline. Affected: yes. Observed: 1 variant allele. Not counted in ClinVar's aggregate classification.